The following is an entry in ClinVar:

ClinVar aggregate classification (germline): Likely pathogenic (0 of 4 stars; one submission).

Conditions:
KBG syndrome (KBGS). Also called: ANKRD11-Related KBG Syndrome. Identifiers: Orphanet 2332, MedGen C0220687, MONDO:0007846, OMIM 148050.

Submission:

The Purple Gene Clinic, Mumbai
Classification: Likely pathogenic for KBG syndrome. Last evaluated: 2024-05-29. Review status: no assertion criteria provided. Collection method: clinical testing. Allele origin: maternal. Inheritance: Autosomal dominant inheritance. Affected: yes. Observed: 1 heterozygote.
Comment: This sequence change creates a frameshift, resulting in premature truncation of the ANKRD11 protein. This variant is absent in the gnomAD database and has not been reported in the literature in individuals with ANKRD11-related conditions. Loss-of-function variants in ANKRD11 are known to be pathogenic (PMID: 38515699, 37800809, 37226940). For these reasons, this variant has been classified as likely pathogenic.

NM_013275.6(ANKRD11):c.2863del (p.Leu955fs)

Gene: ANKRD11 (ankyrin repeat domain 11; minus strand). Cytogenetic location: 16q24.3.
Variant type: Deletion.
Coding change: c.2863del on transcript NM_013275.6 (MANE Select); coding-DNA position 2863, one base deleted (C; older notation c.2863delC).
Protein change: p.Leu955fs; shifts the reading frame from leucine 955.
Molecular consequence: frameshift variant.
Genome position (GRCh38, 1-based): chr16:89,283,679, G deleted on the plus strand (C on the coding strand, the reverse complement: ANKRD11 is on the minus strand); the first of 3 consecutive G bases (chr16:89,283,679-89,283,681); deleting any one gives the same sequence. VCF-style (leftmost placement, unchanged base first): chr16-89283678-AG-A. GRCh37 (hg19) VCF-style: chr16-89350086-AG-A.
Other names: c.2863del, p.Leu955fs (NM_001256182.2, NM_001256183.2); short protein forms L955fs.
Identifiers: ClinVar variation 3237170 (VCV003237170.2), dbSNP rs2544239655.